The following is an entry in ClinVar:

ClinVar aggregate classification (germline): Uncertain significance (1 of 4 stars; one submission).

Allele frequency attached by ClinVar (database versions not stated): gnomAD exomes below 0.00001.
gnomAD v4.1: 1 of 1,517,156 alleles (0.000066%); highest among the groups gnomAD compares: Admixed American, 0.0018%; no homozygotes.

Submission:

Labcorp Genetics (formerly Invitae), Labcorp
Classification: Uncertain significance. Last evaluated: 2021-05-26. Review status: criteria provided, single submitter. Criteria: Invitae Variant Classification Sherloc (09022015). Collection method: clinical testing. Allele origin: germline.
Comment: This sequence change replaces arginine with lysine at codon 41 of the MYO5B protein (p.Arg41Lys). The arginine residue is moderately conserved and there is a small physicochemical difference between arginine and lysine. This variant is not present in population databases (ExAC no frequency). This variant has not been reported in the literature in individuals with MYO5B-related conditions. Algorithms developed to predict the effect of missense changes on protein structure and function output the following: SIFT: "Tolerated"; PolyPhen-2: "Benign"; Align-GVGD: "Class C0". The lysine amino acid residue is found in multiple mammalian species, suggesting that this missense change does not adversely affect protein function. These predictions have not been confirmed by published functional studies and their clinical significance is uncertain. In summary, the available evidence is currently insufficient to determine the role of this variant in disease. Therefore, it has been classified as a Variant of Uncertain Significance.

NM_001080467.3(MYO5B):c.122G>A (p.Arg41Lys)

Gene: MYO5B (myosin VB; minus strand). Cytogenetic location: 18q21.1.
Variant type: single nucleotide variant.
Coding change: c.122G>A on transcript NM_001080467.3 (MANE Select); coding-DNA position 122, G replaced by A.
Protein change: p.Arg41Lys; replaces arginine 41 with lysine.
Molecular consequence: missense variant.
Genome position (GRCh38, 1-based): chr18:50,055,284, C>T on the plus strand (G>A on the coding strand, the complement: MYO5B is on the minus strand). VCF-style: chr18-50055284-C-T. GRCh37 (hg19) VCF-style: chr18-47581654-C-T.
Other names: short protein forms R41K.
Identifiers: ClinVar variation 1356326 (VCV001356326.8), dbSNP rs1322782610, ClinGen allele CA402510656.